The following is an entry in ClinVar:

NM_001277115.2(DNAH11):c.13303+3_13303+43dup

Gene: DNAH11 (dynein axonemal heavy chain 11; plus strand). Cytogenetic location: 7p15.3.
Variant type: Duplication.
Coding change: c.13303+3_13303+43dup on transcript NM_001277115.2 (MANE Select); bases 3 to 43 of the intron after coding-DNA position 13303, 41 bases duplicated.
Molecular consequence: intron variant.
Genome position (GRCh38, 1-based): chr7:21,900,123-21,900,163, 41 bases duplicated. GRCh37 (hg19): chr7:21,939,741-21,939,781.
Identifiers: ClinVar variation 1486114 (VCV001486114.5), dbSNP rs775161725, ClinGen allele CA4183399.

ClinVar aggregate classification (germline): Uncertain significance (1 of 4 stars; one submission).

Conditions:
Primary ciliary dyskinesia. Also called: Ciliary dyskinesia. Identifiers: Orphanet 244, MedGen C0008780, MONDO:0016575, HP:0012265.

Allele frequency attached by ClinVar (database versions not stated): ExAC 0.00001; gnomAD exomes 0.00001.

Submission:

Labcorp Genetics (formerly Invitae), Labcorp
Classification: Uncertain significance for Primary ciliary dyskinesia. Last evaluated: 2022-09-27. Review status: criteria provided, single submitter. Criteria: Invitae Variant Classification Sherloc (09022015). Collection method: clinical testing. Allele origin: germline.
Comment: This sequence change falls in intron 81 of the DNAH11 gene. It does not directly change the encoded amino acid sequence of the DNAH11 protein. This variant is present in population databases (rs775161725, gnomAD 0.01%). This variant has not been reported in the literature in individuals affected with DNAH11-related conditions. ClinVar contains an entry for this variant (Variation ID: 1486114). Algorithms developed to predict the effect of sequence changes on RNA splicing suggest that this variant may disrupt the consensus splice site. In summary, the available evidence is currently insufficient to determine the role of this variant in disease. Therefore, it has been classified as a Variant of Uncertain Significance.